The following is an entry in ClinVar:

NM_001035.3(RYR2):c.6305T>C (p.Leu2102Pro)

Gene: RYR2 (ryanodine receptor 2; plus strand). Cytogenetic location: 1q43.
Variant type: single nucleotide variant.
Coding change: c.6305T>C on transcript NM_001035.3 (MANE Select); coding-DNA position 6305, T replaced by C.
Protein change: p.Leu2102Pro; replaces leucine 2102 with proline.
Molecular consequence: missense variant.
Genome position (GRCh38, 1-based): chr1:237,627,945, T>C. VCF-style: chr1-237627945-T-C. GRCh37 (hg19) VCF-style: chr1-237791245-T-C.
Other names: short protein forms L2102P.
Identifiers: ClinVar variation 3633802 (VCV003633802.2).

ClinVar aggregate classification (germline): Uncertain significance (1 of 4 stars; one submission).

Conditions:
Catecholaminergic polymorphic ventricular tachycardia 1. Also called: VENTRICULAR TACHYCARDIA, CATECHOLAMINERGIC POLYMORPHIC, 1, WITH OR WITHOUT ATRIAL DYSFUNCTION AND/OR DILATED CARDIOMYOPATHY; RYR2-Related Catecholaminergic Polymorphic Ventricular Tachycardia; VENTRICULAR TACHYCARDIA, STRESS-INDUCED POLYMORPHIC 1. Identifiers: Orphanet 3286, MedGen C1631597, MONDO:0011484, OMIM 604772.

Submission:

Labcorp Genetics (formerly Invitae), Labcorp
Classification: Uncertain significance for Catecholaminergic polymorphic ventricular tachycardia 1. Last evaluated: 2024-06-19. Review status: criteria provided, single submitter. Criteria: Invitae Variant Classification Sherloc (09022015). Collection method: clinical testing. Allele origin: germline.
Comment: This sequence change replaces leucine, which is neutral and non-polar, with proline, which is neutral and non-polar, at codon 2102 of the RYR2 protein (p.Leu2102Pro). This variant is not present in population databases (gnomAD no frequency). This variant has not been reported in the literature in individuals affected with RYR2-related conditions. Advanced modeling of protein sequence and biophysical properties (such as structural, functional, and spatial information, amino acid conservation, physicochemical variation, residue mobility, and thermodynamic stability) performed at Invitae indicates that this missense variant is expected to disrupt RYR2 protein function with a positive predictive value of 95%. In summary, the available evidence is currently insufficient to determine the role of this variant in disease. Therefore, it has been classified as a Variant of Uncertain Significance.